The following is an entry in ClinVar:

ClinVar aggregate classification (germline): Uncertain significance (1 of 4 stars; one submission).

Conditions:
Autosomal recessive limb-girdle muscular dystrophy type 2Q (LGMDR17). Also called: MUSCULAR DYSTROPHY, LIMB-GIRDLE, AUTOSOMAL RECESSIVE 17. Identifiers: Orphanet 254361, MedGen C3150989, MONDO:0013390, OMIM 613723.
Epidermolysis bullosa simplex, Ogna type (EBS5A). Also called: Pidermolysis bullosa simplex 5A, Ogna type; EPIDERMOLYSIS BULLOSA SIMPLEX 5A, OGNA TYPE. Identifiers: Orphanet 79401, MedGen C0432317, MONDO:0007555, OMIM 131950.
Epidermolysis bullosa simplex 5B, with muscular dystrophy (EBS5B). Also called: EPIDERMOLYSIS BULLOSA SIMPLEX AND LIMB-GIRDLE MUSCULAR DYSTROPHY; Epidermolysis bullosa simplex with muscular dystrophy. Identifiers: Orphanet 257, MedGen C2931072, MONDO:0009181, OMIM 226670.
Epidermolysis bullosa simplex 5C, with pyloric atresia (EBS5C). Also called: Epidermolysis bullosa simplex with pyloric atresia; PLEC-Related Epidermolysis Bullosa with Pyloric Atresia; PLEC1-Related Epidermolysis Bullosa with Pyloric Atresia. Identifiers: Orphanet 158684, MedGen C2677349, MONDO:0012807, OMIM 612138.
Epidermolysis bullosa simplex with nail dystrophy (EBS5D). Identifiers: MedGen C4225309, MONDO:0014661, OMIM 616487.

gnomAD v4.1: 1 of 1,613,088 alleles (0.000062%); no homozygotes.

Submission:

Labcorp Genetics (formerly Invitae), Labcorp
Classification: Uncertain significance for Autosomal recessive limb-girdle muscular dystrophy type 2Q; Epidermolysis bullosa simplex, Ogna type; Epidermolysis bullosa simplex with nail dystrophy; Epidermolysis bullosa simplex 5C, with pyloric atresia; Epidermolysis bullosa simplex 5B, with muscular dystrophy. Last evaluated: 2021-10-15. Review status: criteria provided, single submitter. Criteria: Invitae Variant Classification Sherloc (09022015). Collection method: clinical testing. Allele origin: germline.
Comment: This variant is not present in population databases (ExAC no frequency). This sequence change replaces glutamic acid with lysine at codon 2735 of the PLEC protein (p.Glu2735Lys). The glutamic acid residue is highly conserved and there is a small physicochemical difference between glutamic acid and lysine. This variant has not been reported in the literature in individuals affected with PLEC-related conditions. In summary, the available evidence is currently insufficient to determine the role of this variant in disease. Therefore, it has been classified as a Variant of Uncertain Significance. Algorithms developed to predict the effect of missense changes on protein structure and function are either unavailable or do not agree on the potential impact of this missense change (SIFT: "Deleterious"; PolyPhen-2: "Possibly Damaging"; Align-GVGD: "Class C0").

NM_201384.3(PLEC):c.8122G>A (p.Glu2708Lys)

Gene: PLEC (plectin; minus strand). Cytogenetic location: 8q24.3.
Variant type: single nucleotide variant.
Coding change: c.8122G>A on transcript NM_201384.3 (MANE Select); coding-DNA position 8122, G replaced by A.
Protein change: p.Glu2708Lys; replaces glutamic acid 2708 with lysine.
Molecular consequence: missense variant.
Genome position (GRCh38, 1-based): chr8:143,921,699, C>T on the plus strand (G>A on the coding strand, the complement: PLEC is on the minus strand). VCF-style: chr8-143921699-C-T. GRCh37 (hg19) VCF-style: chr8-144995867-C-T.
Other names: c.8203G>A, p.Glu2735Lys (NM_000445.5); c.8080G>A, p.Glu2694Lys (NM_201378.4); c.8056G>A, p.Glu2686Lys (NM_201379.3); c.8533G>A, p.Glu2845Lys (NM_201380.4); c.8026G>A, p.Glu2676Lys (NM_201381.3); c.8122G>A, p.Glu2708Lys (NM_201382.4); c.8134G>A, p.Glu2712Lys (NM_201383.3); short protein forms E2676K, E2694K, E2712K, E2686K, E2708K, E2845K, E2735K.
Identifiers: ClinVar variation 1508040 (VCV001508040.6), dbSNP rs2131188018, ClinGen allele CA372519239.